The following is an entry in ClinVar:

ClinVar aggregate classification (germline): Likely benign (0 of 4 stars; one submission).

Conditions:
PLXNA4-related disorder. Also called: PLXNA4-related condition.

Allele frequency attached by ClinVar (database versions not stated): ExAC 0.00002; gnomAD exomes 0.00003; gnomAD 0.00005; TOPMed 0.00006; 1000 Genomes Project 30x 0.00016.
gnomAD v4.1: 58 of 1,614,212 alleles (0.0036%); highest among the groups gnomAD compares: South Asian, 0.033%; no homozygotes.

Submission:

PreventionGenetics, part of Exact Sciences
Classification: Likely benign for PLXNA4-related condition. Last evaluated: 2021-07-20. Review status: no assertion criteria provided. Collection method: clinical testing. Allele origin: germline.
Comment: This variant is classified as likely benign based on ACMG/AMP sequence variant interpretation guidelines (Richards et al. 2015 PMID: 25741868, with internal and published modifications).

NM_020911.2(PLXNA4):c.645G>A (p.Ala215=)

Gene: PLXNA4 (plexin A4; minus strand). Cytogenetic location: 7q32.3.
Variant type: single nucleotide variant.
Coding change: c.645G>A on transcript NM_020911.2 (MANE Select); coding-DNA position 645, G replaced by A.
Protein change: p.Ala215=; no amino-acid change (alanine 215 retained).
Molecular consequence: synonymous variant.
Genome position (GRCh38, 1-based): chr7:132,508,049, C>T on the plus strand (G>A on the coding strand, the complement: PLXNA4 is on the minus strand). VCF-style: chr7-132508049-C-T. GRCh37 (hg19) VCF-style: chr7-132192808-C-T.
Other names: c.645G>A, p.Ala215= (NM_001105543.2, NM_001393897.1, NM_181775.4).
Identifiers: ClinVar variation 3048889 (VCV003048889.2), dbSNP rs774104963, ClinGen allele CA4490463.